The following is an entry in ClinVar:

ClinVar aggregate classification (germline): Likely benign. Review status: criteria provided, single submitter (1 of 4 stars). 2 submissions from 2 submitters: Likely benign (1). 1 of the submissions does not count toward it. Last evaluated 2026-01-12.

Conditions:
VPS13B-related disorder. Also called: VPS13B-related condition.
Cohen syndrome (COH1). Also called: Cutis verticis gyrata, retinitis pigmentosa, and sensorineural deafness; PEPPER SYNDROME. Identifiers: Orphanet 193, MedGen C0265223, MONDO:0008999, OMIM 216550.

Allele frequency attached by ClinVar (database versions not stated): gnomAD exomes below 0.00001 and 0.00002; ExAC 0.00001; gnomAD 0.00002; TOPMed 0.00002.
gnomAD v4.1: 29 of 1,605,314 alleles (0.0018%); highest among the groups gnomAD compares: Non-Finnish European, 0.0022%; no homozygotes.

Submissions (2):

Labcorp Genetics (formerly Invitae), Labcorp
Classification: Likely benign for Cohen syndrome. Last evaluated: 2026-01-12. Review status: criteria provided, single submitter. Criteria: Invitae Variant Classification Sherloc (09022015). Collection method: clinical testing. Allele origin: germline.

PreventionGenetics, part of Exact Sciences
Classification: Likely benign for VPS13B-related condition. Last evaluated: 2021-07-27. Review status: no assertion criteria provided. Collection method: clinical testing. Allele origin: germline. Not counted in ClinVar's aggregate classification.
Comment: This variant is classified as likely benign based on ACMG/AMP sequence variant interpretation guidelines (Richards et al. 2015 PMID: 25741868, with internal and published modifications).

NM_152564.5(VPS13B):c.9742+10A>G

Gene: VPS13B (vacuolar protein sorting 13 homolog B; plus strand). Cytogenetic location: 8q22.2.
Variant type: single nucleotide variant.
Coding change: c.9742+10A>G on transcript NM_152564.5 (MANE Select); 10 bases into the intron after coding-DNA position 9742, A replaced by G.
Molecular consequence: intron variant.
Genome position (GRCh38, 1-based): chr8:99,835,334, A>G. VCF-style: chr8-99835334-A-G. GRCh37 (hg19) VCF-style: chr8-100847562-A-G.
Other names: c.9817+10A>G (NM_017890.5); c.9742+10A>G (NM_152564.4).
Identifiers: ClinVar variation 1154668 (VCV001154668.11), dbSNP rs755760611, ClinGen allele CA4824773.